The following is an entry in ClinVar:

ClinVar aggregate classification (germline): Uncertain significance (1 of 4 stars; one submission).

Allele frequency attached by ClinVar (database versions not stated): gnomAD exomes below 0.00001; TOPMed below 0.00001; gnomAD 0.00001.
gnomAD v4.1: 2 of 1,613,956 alleles (0.00012%); highest among the groups gnomAD compares: Non-Finnish European, 0.00017%; no homozygotes.

Submission:

Labcorp Genetics (formerly Invitae), Labcorp
Classification: Uncertain significance. Last evaluated: 2022-03-10. Review status: criteria provided, single submitter. Criteria: Invitae Variant Classification Sherloc (09022015). Collection method: clinical testing. Allele origin: germline.
Comment: This sequence change replaces proline, which is neutral and non-polar, with serine, which is neutral and polar, at codon 635 of the ATF6 protein (p.Pro635Ser). This variant is not present in population databases (gnomAD no frequency). This variant has not been reported in the literature in individuals affected with ATF6-related conditions. Algorithms developed to predict the effect of missense changes on protein structure and function are either unavailable or do not agree on the potential impact of this missense change (SIFT: "Tolerated"; PolyPhen-2: "Probably Damaging"; Align-GVGD: "Class C0"). In summary, the available evidence is currently insufficient to determine the role of this variant in disease. Therefore, it has been classified as a Variant of Uncertain Significance.

NM_007348.4(ATF6):c.1903C>T (p.Pro635Ser)

Gene: ATF6 (activating transcription factor 6; plus strand). Cytogenetic location: 1q23.3.
Variant type: single nucleotide variant.
Coding change: c.1903C>T on transcript NM_007348.4 (MANE Select); coding-DNA position 1903, C replaced by T.
Protein change: p.Pro635Ser; replaces proline 635 with serine.
Molecular consequence: missense variant.
Genome position (GRCh38, 1-based): chr1:161,958,544, C>T. VCF-style: chr1-161958544-C-T. GRCh37 (hg19) VCF-style: chr1-161928334-C-T.
Other names: c.1900C>T, p.Pro634Ser (NM_001410890.1); short protein forms P635S, P634S.
Identifiers: ClinVar variation 1962401 (VCV001962401.5), dbSNP rs1447528376, ClinGen allele CA343389204.
Genomic context (GRCh38, chr1:161,958,544, plus strand): 5'-CAGATTGACTGTCAGGTGATGGACACCAGGATCCTCCATATCAAAAGTTCGTCAGTTCCT[C>T]CTTACCTCCGAGATCAGCAGAGGAATCAAACCAACACCTTCTTTGGCTCCCCTCCCGCAG-3'
Protein context (NP_031374.2, residues 625-645): ILHIKSSSVP[Pro635Ser]YLRDQQRNQT